The following is an entry in ClinVar:

NM_018979.4(WNK1):c.4637C>T (p.Ala1546Val)

Gene: WNK1 (WNK lysine deficient protein kinase 1; plus strand). Cytogenetic location: 12p13.33.
Variant type: single nucleotide variant.
Coding change: c.4637C>T on transcript NM_018979.4 (MANE Select); coding-DNA position 4637, C replaced by T.
Protein change: p.Ala1546Val; replaces alanine 1546 with valine.
Molecular consequence: missense variant.
Genome position (GRCh38, 1-based): chr12:885,441, C>T. VCF-style: chr12-885441-C-T. GRCh37 (hg19) VCF-style: chr12-994607-C-T.
Other names: c.5393C>T (NM_213655.4); c.5417C>T, p.Ala1806Val (NM_001184985.2); c.3896C>T, p.Ala1299Val (NM_014823.3); c.5393C>T, p.Ala1798Val (NM_213655.5); short protein forms A1299V, A1546V, A1798V, A1806V.
Identifiers: ClinVar variation 1011767 (VCV001011767.10), dbSNP rs56351358, ClinGen allele CA6383012.

ClinVar aggregate classification (germline): Uncertain significance. Review status: criteria provided, multiple submitters, no conflicts (2 of 4 stars). 2 submissions from 2 submitters: Uncertain significance (2). Last evaluated 2025-11-09.

Conditions:
Pseudohypoaldosteronism type 2C (PHA2C). Also called: Pseudohypoaldosteronism Type IIC. Identifiers: Orphanet 757, Orphanet 88940, MedGen C1840391, MONDO:0013778, OMIM 614492.
Neuropathy, hereditary sensory and autonomic, type 2A (HSAN2A). Also called: ACROOSTEOLYSIS, GIACCAI TYPE; ACROOSTEOLYSIS, NEUROGENIC; MORVAN DISEASE; NEUROPATHY, CONGENITAL SENSORY; NEUROPATHY, HEREDITARY SENSORY RADICULAR, AUTOSOMAL RECESSIVE; NEUROPATHY, HEREDITARY SENSORY, TYPE IIA. Identifiers: Orphanet 970, MedGen C2752089, MONDO:0024309, OMIM 201300.

Allele frequency attached by ClinVar (database versions not stated): ExAC 0.00001; gnomAD exomes 0.00001; gnomAD 0.00002; TOPMed 0.00002; 1000 Genomes Project 30x 0.00031; 1000 Genomes Project 0.00040.
gnomAD v4.1: 12 of 1,613,868 alleles (0.00074%); highest among the groups gnomAD compares: East Asian, 0.016%; no homozygotes.

Submissions (2):

Labcorp Genetics (formerly Invitae), Labcorp
Classification: Uncertain significance for Neuropathy, hereditary sensory and autonomic, type 2A; Pseudohypoaldosteronism type 2C. Last evaluated: 2025-11-09. Review status: criteria provided, single submitter. Criteria: Invitae Variant Classification Sherloc (09022015). Collection method: clinical testing. Allele origin: germline.
Comment: This sequence change replaces alanine, which is neutral and non-polar, with valine, which is neutral and non-polar, at codon 1798 of the WNK1 protein (p.Ala1798Val). This variant is present in population databases (rs56351358, gnomAD 0.01%). This variant has not been reported in the literature in individuals affected with WNK1-related conditions. ClinVar contains an entry for this variant (Variation ID: 1011767). Invitae Evidence Modeling of protein sequence and biophysical properties (such as structural, functional, and spatial information, amino acid conservation, physicochemical variation, residue mobility, and thermodynamic stability) indicates that this missense variant is not expected to disrupt WNK1 protein function with a negative predictive value of 95%. In summary, the available evidence is currently insufficient to determine the role of this variant in disease. Therefore, it has been classified as a Variant of Uncertain Significance.

GeneDx
Classification: Uncertain significance. Last evaluated: 2023-11-17. Review status: criteria provided, single submitter. Criteria: GeneDx Variant Classification Process June 2021. Collection method: clinical testing. Allele origin: germline. Affected: yes.
Comment: In silico analysis supports that this missense variant does not alter protein structure/function; Has not been previously published as pathogenic or benign to our knowledge